The following is an entry in ClinVar:

NM_006206.6(PDGFRA):c.979G>A (p.Val327Ile)

Gene: PDGFRA (platelet derived growth factor receptor alpha; plus strand). Cytogenetic location: 4q12.
Variant type: single nucleotide variant.
Coding change: c.979G>A on transcript NM_006206.6 (MANE Select); coding-DNA position 979, G replaced by A.
Protein change: p.Val327Ile; replaces valine 327 with isoleucine.
Molecular consequence: missense variant.
Genome position (GRCh38, 1-based): chr4:54,267,599, G>A. VCF-style: chr4-54267599-G-A. GRCh37 (hg19) VCF-style: chr4-55133766-G-A.
Other names: c.979G>A, p.Val327Ile (NM_001347827.2, NM_001347829.2); c.1054G>A, p.Val352Ile (NM_001347828.2); c.1018G>A, p.Val340Ile (NM_001347830.2); short protein forms V340I, V327I, V352I.
Identifiers: ClinVar variation 665192 (VCV000665192.9), dbSNP rs748576202, ClinGen allele CA356891537.
Genomic context (GRCh38, chr4:54,267,599, plus strand): 5'-CTTCCCTGTACAGAGAAAGGTTTCATTGAAATCAAACCCACCTTCAGCCAGTTGGAAGCT[G>A]TCAACCTGCATGAAGTCAAACATTTTGTTGTAGAGGTGCGGGCCTACCCACCTCCCAGGA-3'
Protein context (NP_006197.1, residues 317-337): IKPTFSQLEA[Val327Ile]NLHEVKHFVV

ClinVar aggregate classification (germline): Uncertain significance (1 of 4 stars; one submission).

Conditions:
Gastrointestinal stromal tumor. Also called: Gastrointestinal stromal tumor, somatic; Gastrointestinal stroma tumor. Identifiers: Orphanet 44890, MedGen C0238198, MeSH D046152, MONDO:0011719, OMIM 606764, HP:0100723.

gnomAD v4.1: 1 of 1,614,196 alleles (0.000062%); highest among the groups gnomAD compares: Non-Finnish European, 0.000085%; no homozygotes.

Submission:

Labcorp Genetics (formerly Invitae), Labcorp
Classification: Uncertain significance for Gastrointestinal stromal tumor. Last evaluated: 2018-07-20. Review status: criteria provided, single submitter. Criteria: Invitae Variant Classification Sherloc (09022015). Collection method: clinical testing. Allele origin: germline.
Comment: This variant has not been reported in the literature in individuals with PDGFRA-related disease. This sequence change replaces valine with isoleucine at codon 327 of the PDGFRA protein (p.Val327Ile). The valine residue is moderately conserved and there is a small physicochemical difference between valine and isoleucine. This variant is not present in population databases (ExAC no frequency). Algorithms developed to predict the effect of missense changes on protein structure and function output the following: SIFT: "Tolerated"; PolyPhen-2: "Benign"; Align-GVGD: "Class C0". The isoleucine amino acid residue is found in multiple mammalian species, suggesting that this missense change does not adversely affect protein function. These predictions have not been confirmed by published functional studies and their clinical significance is uncertain. In summary, the available evidence is currently insufficient to determine the role of this variant in disease. Therefore, it has been classified as a Variant of Uncertain Significance.